The following is an entry in ClinVar:

NM_000038.6(APC):c.364G>A (p.Gly122Arg)

Gene: APC (APC regulator of Wnt signaling pathway; plus strand). Cytogenetic location: 5q22.2.
Variant type: single nucleotide variant.
Coding change: c.364G>A on transcript NM_000038.6 (MANE Select); coding-DNA position 364, G replaced by A.
Protein change: p.Gly122Arg; replaces glycine 122 with arginine.
Molecular consequence: missense variant. On other transcripts: 5 prime UTR variant (1).
Genome position (GRCh38, 1-based): chr5:112,767,332, G>A. VCF-style: chr5-112767332-G-A. GRCh37 (hg19) VCF-style: chr5-112103029-G-A.
Other names: c.364G>A, p.Gly122Arg (NM_001127510.3, NM_001354895.2, NM_001354896.2 and 2 more transcripts); c.394G>A, p.Gly132Arg (NM_001127511.3, NM_001354897.2, NM_001354902.2); c.289G>A, p.Gly97Arg (NM_001354898.2, NM_001354904.2); c.187G>A, p.Gly63Arg (NM_001354900.2, NM_001354901.2, NM_001354905.2); c.-672G>A (NM_001354906.2); c.364G>A (NM_000038.5); short protein forms G132R, G63R, G122R, G97R.
Identifiers: ClinVar variation 1397105 (VCV001397105.11), dbSNP rs1756466358, ClinGen allele CA16022115.

ClinVar aggregate classification (germline): Uncertain significance. Review status: criteria provided, multiple submitters, no conflicts (2 of 4 stars). 3 submissions from 3 submitters: Uncertain significance (3). Last evaluated 2025-03-31.

Conditions:
Hereditary cancer-predisposing syndrome. Also called: Hereditary Cancer Syndrome; Hereditary neoplastic syndrome; Tumor predisposition; Neoplastic Syndromes, Hereditary. Identifiers: Orphanet 140162, MedGen C0027672, MeSH D009386, MONDO:0015356.
Familial adenomatous polyposis 1 (FAP1). Also called: FAMILIAL ADENOMATOUS POLYPOSIS 1, ATTENUATED; POLYPOSIS, ADENOMATOUS INTESTINAL. Identifiers: MedGen C2713442, MONDO:0021056, OMIM 175100. Disease mechanism: loss of function.

Submissions (3):

Labcorp Genetics (formerly Invitae), Labcorp
Classification: Uncertain significance for Familial adenomatous polyposis 1. Last evaluated: 2025-03-31. Review status: criteria provided, single submitter. Criteria: Invitae Variant Classification Sherloc (09022015). Collection method: clinical testing. Allele origin: germline.
Comment: This sequence change replaces glycine, which is neutral and non-polar, with arginine, which is basic and polar, at codon 122 of the APC protein (p.Gly122Arg). This variant is not present in population databases (gnomAD no frequency). This variant has not been reported in the literature in individuals affected with APC-related conditions. ClinVar contains an entry for this variant (Variation ID: 1397105). Invitae Evidence Modeling of protein sequence and biophysical properties (such as structural, functional, and spatial information, amino acid conservation, physicochemical variation, residue mobility, and thermodynamic stability) indicates that this missense variant is not expected to disrupt APC protein function with a negative predictive value of 95%. Algorithms developed to predict the effect of sequence changes on RNA splicing suggest that this variant may create or strengthen a splice site. In summary, the available evidence is currently insufficient to determine the role of this variant in disease. Therefore, it has been classified as a Variant of Uncertain Significance.

Baylor Genetics
Classification: Uncertain significance for Familial adenomatous polyposis 1. Last evaluated: 2023-09-15. Review status: criteria provided, single submitter. Criteria: ACMG Guidelines, 2015. Collection method: clinical testing. Allele origin: unknown.

Ambry Genetics
Classification: Uncertain significance for Hereditary cancer-predisposing syndrome. Last evaluated: 2023-05-12. Review status: criteria provided, single submitter. Criteria: Ambry Variant Classification Scheme 2023. Collection method: clinical testing. Allele origin: germline.
Comment: The p.G122R variant (also known as c.364G>A), located in coding exon 3 of the APC gene, results from a G to A substitution at nucleotide position 364. The glycine at codon 122 is replaced by arginine, an amino acid with dissimilar properties. This amino acid position is conserved. In addition, in silico predictors for this gene do not accurately predict pathogenicity. Since supporting evidence is limited at this time, the clinical significance of this alteration remains unclear.